The following is an entry in ClinVar:

ClinVar aggregate classification (germline): Uncertain significance (1 of 4 stars; one submission).

Conditions:
Gnathodiaphyseal dysplasia (GDD). Also called: GNATHODIAPHYSEAL SCLEROSIS; OSTEOGENESIS IMPERFECTA WITH UNUSUAL SKELETAL LESIONS. Identifiers: Orphanet 53697, MedGen C1833736, MONDO:0008151, OMIM 166260.
Autosomal recessive limb-girdle muscular dystrophy type 2L (LGMDR12). Also called: Limb-Girdle Muscular Dystrophy R12 Anoctamin-5-Related (LGMD-R12); Limb-girdle muscular dystrophy, type 2L; MUSCULAR DYSTROPHY, LIMB-GIRDLE, AUTOSOMAL RECESSIVE 12. Identifiers: Orphanet 206549, MedGen C1969785, MONDO:0012652, OMIM 611307.

Submission:

Labcorp Genetics (formerly Invitae), Labcorp
Classification: Uncertain significance for Autosomal recessive limb-girdle muscular dystrophy type 2L; Gnathodiaphyseal dysplasia. Last evaluated: 2022-04-08. Review status: criteria provided, single submitter. Criteria: Invitae Variant Classification Sherloc (09022015). Collection method: clinical testing. Allele origin: germline.
Comment: This sequence change falls in intron 8 of the ANO5 gene. It does not directly change the encoded amino acid sequence of the ANO5 protein. It affects a nucleotide within the consensus splice site. This variant is not present in population databases (gnomAD no frequency). This variant has not been reported in the literature in individuals affected with ANO5-related conditions. Variants that disrupt the consensus splice site are a relatively common cause of aberrant splicing (PMID: 17576681, 9536098). Algorithms developed to predict the effect of sequence changes on RNA splicing suggest that this variant may disrupt the consensus splice site. In summary, the available evidence is currently insufficient to determine the role of this variant in disease. Therefore, it has been classified as a Variant of Uncertain Significance.

Literature cited by the submitters: PubMed 17576681; PubMed 9536098.

NM_213599.3(ANO5):c.762+3_762+4del

Gene: ANO5 (anoctamin 5; plus strand). Cytogenetic location: 11p14.3.
Variant type: Deletion.
Coding change: c.762+3_762+4del on transcript NM_213599.3 (MANE Select); bases 3 to 4 of the intron after coding-DNA position 762, 2 bases deleted (AT; older notation c.762+3_762+4delAT).
Molecular consequence: splice donor variant.
Genome position (GRCh38, 1-based): chr11:22,236,279-22,236,280, AT deleted; deleting any 2 consecutive bases within chr11:22,236,278-22,236,280 gives the same sequence; the c. name uses the placement nearest the transcript's 3' end. VCF-style (leftmost placement, unchanged base first): chr11-22236277-GTA-G. GRCh37 (hg19) VCF-style: chr11-22257823-GTA-G.
Other names: c.759+3_759+4del (NM_001142649.2).
Identifiers: ClinVar variation 2160432 (VCV002160432.4), dbSNP rs1853217204, ClinGen allele CA1957407891.